The following is an entry in ClinVar:

ClinVar aggregate classification (germline): Conflicting classifications of pathogenicity. Review status: criteria provided, conflicting classifications (1 of 4 stars). 4 submissions from 4 submitters: Uncertain significance (1); Likely benign (2). 1 of the submissions does not count toward it. Last evaluated 2026-01-15.

Conditions:
Hereditary breast ovarian cancer syndrome. Also called: Hereditary breast and/or ovarian cancer syndrome; Hereditary breast and ovarian cancer syndrome; Hereditary breast and ovarian cancer; Hereditary breast and ovarian cancer syndrome (HBOC); Breast and ovarian cancer; BRCA1- and BRCA2-Associated Hereditary Breast and Ovarian Cancer. Identifiers: Orphanet 145, MedGen C0677776, MeSH D061325, MONDO:0003582. Disease mechanism: loss of function.
COL2A1-related disorder. Also called: COL2A1-related condition; COL2A1-related disorders.

Allele frequency attached by ClinVar (database versions not stated): ExAC 0.00003; gnomAD 0.00003 and 0.00004; gnomAD exomes 0.00005 and 0.00026; TOPMed 0.00006.

Submissions (4):

Labcorp Genetics (formerly Invitae), Labcorp
Classification: Likely benign. Last evaluated: 2026-01-15. Review status: criteria provided, single submitter. Criteria: Invitae Variant Classification Sherloc (09022015). Collection method: clinical testing. Allele origin: germline.

Molecular Oncology Research Center, Barretos Cancer Hospital
Classification: Uncertain significance for Hereditary breast ovarian cancer syndrome. Last evaluated: 2020-08-01. Review status: criteria provided, single submitter. Criteria: ACMG Guidelines, 2015. Collection method: research. Allele origin: germline. Affected: yes. Observed: 1 variant allele.

GeneDx
Classification: Likely benign. Last evaluated: 2019-11-27. Review status: criteria provided, single submitter. Criteria: GeneDx Variant Classification Process June 2021. Collection method: clinical testing. Allele origin: germline. Affected: yes.
Comment: In silico analysis, which includes protein predictors and evolutionary conservation, supports that this variant does not alter protein structure/function; Has not been previously published as pathogenic or benign to our knowledge

PreventionGenetics, part of Exact Sciences
Classification: Likely benign for COL2A1-related condition. Last evaluated: 2024-05-31. Review status: no assertion criteria provided. Collection method: clinical testing. Allele origin: germline. Not counted in ClinVar's aggregate classification.
Comment: This variant is classified as likely benign based on ACMG/AMP sequence variant interpretation guidelines (Richards et al. 2015 PMID: 25741868, with internal and published modifications).

NM_001844.5(COL2A1):c.578G>A (p.Gly193Asp)

Gene: COL2A1 (collagen type II alpha 1 chain; minus strand). Cytogenetic location: 12q13.11.
Variant type: single nucleotide variant.
Coding change: c.578G>A on transcript NM_001844.5 (MANE Select); coding-DNA position 578, G replaced by A.
Protein change: p.Gly193Asp; replaces glycine 193 with aspartic acid.
Molecular consequence: missense variant.
Genome position (GRCh38, 1-based): chr12:47,996,579, C>T on the plus strand (G>A on the coding strand, the complement: COL2A1 is on the minus strand). VCF-style: chr12-47996579-C-T. GRCh37 (hg19) VCF-style: chr12-48390362-C-T.
Other names: c.371G>A, p.Gly124Asp (NM_033150.3); short protein forms G124D, G193D.
Identifiers: ClinVar variation 942414 (VCV000942414.14), dbSNP rs764878166, ClinGen allele CA6535882.